The following is an entry in ClinVar:

NM_000214.3(JAG1):c.232T>A (p.Cys78Ser)

Gene: JAG1 (jagged canonical Notch ligand 1; minus strand). Cytogenetic location: 20p12.2.
Variant type: single nucleotide variant.
Coding change: c.232T>A on transcript NM_000214.3 (MANE Select); coding-DNA position 232, T replaced by A.
Protein change: p.Cys78Ser; replaces cysteine 78 with serine.
Molecular consequence: missense variant.
Genome position (GRCh38, 1-based): chr20:10,672,856, A>T on the plus strand (T>A on the coding strand, the complement: JAG1 is on the minus strand). VCF-style: chr20-10672856-A-T. GRCh37 (hg19) VCF-style: chr20-10653504-A-T.
Other names: short protein forms C78S.
Identifiers: ClinVar variation 3573428 (VCV003573428.2).

Conditions:
Arteriohepatic dysplasia. Also called: Alagille Syndrome. Identifiers: Orphanet 52, MedGen C0085280, MeSH D016738, MONDO:0007318.

Submission:

Gilbert/Spinner Lab, Children's Hospital of Philadelphia
No classification provided (evidence only). Condition: Alagille syndrome. Review status: no classification provided. Collection method: research. Allele origin: not applicable. Functional consequence: functionally_abnormal.
ClinVar note: "not provided" was previously submitted as the classification for the variant. However, the classification appeared to be based only on an observation of functional data so it was converted to no classification on 2025-07-30.